The following is an entry in ClinVar:

NM_000540.3(RYR1):c.10335G>T (p.Trp3445Cys)

Gene: RYR1 (ryanodine receptor 1; plus strand). Cytogenetic location: 19q13.2.
Variant type: single nucleotide variant.
Coding change: c.10335G>T on transcript NM_000540.3 (MANE Select); coding-DNA position 10335, G replaced by T.
Protein change: p.Trp3445Cys; replaces tryptophan 3445 with cysteine.
Molecular consequence: missense variant.
Genome position (GRCh38, 1-based): chr19:38,523,103, G>T. VCF-style: chr19-38523103-G-T. GRCh37 (hg19) VCF-style: chr19-39013743-G-T.
Other names: c.10335G>T, p.Trp3445Cys (NM_001042723.2); short protein forms W3445C.
Identifiers: ClinVar variation 3719022 (VCV003719022.2).

ClinVar aggregate classification (germline): Uncertain significance (1 of 4 stars; one submission).

Conditions:
RYR1-related disorder. Also called: RYR1-related condition; RYR1-related disorders. Identifiers: MedGen CN239331.

Submission:

Labcorp Genetics (formerly Invitae), Labcorp
Classification: Uncertain significance for RYR1-related disorder. Last evaluated: 2024-06-17. Review status: criteria provided, single submitter. Criteria: Invitae Variant Classification Sherloc (09022015). Collection method: clinical testing. Allele origin: germline.
Comment: This sequence change replaces tryptophan, which is neutral and slightly polar, with cysteine, which is neutral and slightly polar, at codon 3445 of the RYR1 protein (p.Trp3445Cys). This variant is not present in population databases (gnomAD no frequency). This variant has not been reported in the literature in individuals affected with RYR1-related conditions. Advanced modeling of protein sequence and biophysical properties (such as structural, functional, and spatial information, amino acid conservation, physicochemical variation, residue mobility, and thermodynamic stability) performed at Invitae indicates that this missense variant is expected to disrupt RYR1 protein function with a positive predictive value of 95%. In summary, the available evidence is currently insufficient to determine the role of this variant in disease. Therefore, it has been classified as a Variant of Uncertain Significance.